The following is an entry in ClinVar:

NM_152383.5(DIS3L2):c.325dup (p.Asp109fs)

Gene: DIS3L2 (DIS3 like 3'-5' exoribonuclease 2; plus strand). Cytogenetic location: 2q37.1.
Variant type: Duplication.
Coding change: c.325dup on transcript NM_152383.5 (MANE Select); coding-DNA position 325, one base duplicated (G; older notation c.325dupG).
Protein change: p.Asp109fs; shifts the reading frame from aspartic acid 109.
Molecular consequence: frameshift variant. On other transcripts: non-coding transcript variant (2).
Genome position (GRCh38, 1-based): chr2:232,030,039, G duplicated; the last of 4 consecutive G bases (chr2:232,030,036-232,030,039); duplicating any one gives the same sequence. VCF-style (leftmost placement, unchanged base first): chr2-232030035-T-TG. GRCh37 (hg19) VCF-style: chr2-232894745-T-TG.
Other names: c.325dupG (NM_152383.4); c.325dup, p.Asp109fs (NM_001257281.2, NM_001257282.2); short protein forms D109fs.
Identifiers: ClinVar variation 844772 (VCV000844772.10), dbSNP rs1441475659, ClinGen allele CA540297277.

ClinVar aggregate classification (germline): Pathogenic/Likely pathogenic. Review status: criteria provided, multiple submitters, no conflicts (2 of 4 stars). 4 submissions from 3 submitters: Pathogenic (1); Likely pathogenic (3). Last evaluated 2024-12-15.

Conditions:
Perlman syndrome (PRLMNS). Identifiers: Orphanet 2849, MedGen C0796113, MONDO:0009965, OMIM 267000.

Submissions (4):

Labcorp Genetics (formerly Invitae), Labcorp
Classification: Pathogenic for Perlman syndrome. Last evaluated: 2024-12-15. Review status: criteria provided, single submitter. Criteria: Invitae Variant Classification Sherloc (09022015). Collection method: clinical testing. Allele origin: germline.
Comment: This sequence change creates a premature translational stop signal (p.Asp109Glyfs*17) in the DIS3L2 gene. It is expected to result in an absent or disrupted protein product. Loss-of-function variants in DIS3L2 are known to be pathogenic (PMID: 22306653, 28328139). The frequency data for this variant in the population databases is considered unreliable, as metrics indicate poor data quality at this position in the gnomAD database. This variant has not been reported in the literature in individuals affected with DIS3L2-related conditions. ClinVar contains an entry for this variant (Variation ID: 844772). For these reasons, this variant has been classified as Pathogenic.

Baylor Genetics
Classification: Likely pathogenic for Perlman syndrome. Last evaluated: 2023-12-20. Review status: criteria provided, single submitter. Criteria: ACMG Guidelines, 2015. Collection method: clinical testing. Allele origin: unknown.

Clinical Genomics Laboratory, Stanford Medicine
Classification: Likely pathogenic for Perlman syndrome. Last evaluated: 2022-01-24. Review status: criteria provided, single submitter. Criteria: ACMG Guidelines, 2015. Collection method: clinical testing. Allele origin: maternal. Inheritance: Autosomal recessive inheritance. Observed: 2 variant alleles, 2 heterozygotes. Clinical features observed: Autism, macrocephaly, Body Mass Index >99%ile, dysmorphic features.
Comment: The p.Asp109Glyfs*17 variant in the DIS3L2 gene has not been previously reported in association with disease. This variant has been identified in 1/246,058 chromosomes by the Genome Aggregation Database. Although this variant has been seen in the general population, its frequency is low enough to be consistent with a recessive carrier frequency. This variant results in a 1 bp insertion in exon 5 of 21 exons, which causes a shift in the protein reading frame, leading to a premature termination codon 17 amino acids downstream. Loss of function is a known mechanism of disease for the DIS3L2 gene. These data were assessed using the ACMG/AMP variant interpretation guidelines. In summary, there is sufficient evidence to classify the p.Asp109Glyfs*17 variant as likely pathogenic for Perlman syndrome in an autosomal recessive manner based on the information above. [ACMG evidence codes used: PVS1; PM2]

Baylor Genetics
Classification: Likely pathogenic for Perlman syndrome. Last evaluated: 2022-01-12. Review status: criteria provided, single submitter. Criteria: ACMG Guidelines, 2015. Collection method: clinical testing. Allele origin: maternal. Affected: yes. Study: CSER-TexasKidsCanSeq.
Comment: This variant was determined to be likely pathogenic according to ACMG Guidelines, 2015 [PMID:25741868].

Literature cited by the submitters: PubMed 22306653 (cited by Labcorp Genetics (formerly Invitae), Labcorp); PubMed 28328139 (cited by Labcorp Genetics (formerly Invitae), Labcorp).